The following is an entry in ClinVar:

ClinVar aggregate classification (germline): Uncertain significance. Review status: criteria provided, multiple submitters, no conflicts (2 of 4 stars). 3 submissions from 3 submitters: Uncertain significance (3). Last evaluated 2024-01-08.

Allele frequency attached by ClinVar (database versions not stated): gnomAD 0.00001; TOPMed 0.00002; gnomAD exomes 0.00003; ExAC 0.00007.
gnomAD v4.1: 18 of 1,613,790 alleles (0.0011%); highest among the groups gnomAD compares: Admixed American, 0.03%; no homozygotes.

Submissions (3):

Labcorp Genetics (formerly Invitae), Labcorp
Classification: Uncertain significance. Last evaluated: 2024-01-08. Review status: criteria provided, single submitter. Criteria: Invitae Variant Classification Sherloc (09022015). Collection method: clinical testing. Allele origin: germline.
Comment: This sequence change replaces glycine, which is neutral and non-polar, with aspartic acid, which is acidic and polar, at codon 1450 of the KIAA0556 protein (p.Gly1450Asp). This variant is present in population databases (rs752797954, gnomAD 0.04%). This variant has not been reported in the literature in individuals affected with KIAA0556-related conditions. ClinVar contains an entry for this variant (Variation ID: 2171152). An algorithm developed to predict the effect of missense changes on protein structure and function (PolyPhen-2) suggests that this variant is likely to be disruptive. In summary, the available evidence is currently insufficient to determine the role of this variant in disease. Therefore, it has been classified as a Variant of Uncertain Significance.

Ambry Genetics
Classification: Uncertain significance. Last evaluated: 2022-12-05. Review status: criteria provided, single submitter. Criteria: Ambry Variant Classification Scheme 2023. Collection method: clinical testing. Allele origin: germline.

Blueprint Genetics
Classification: Uncertain significance. Last evaluated: 2022-07-27. Review status: criteria provided, single submitter. Criteria: ACMG Guidelines, 2015. Collection method: clinical testing. Allele origin: germline.

NM_015202.5(KATNIP):c.4349G>A (p.Gly1450Asp)

Gene: KATNIP (katanin interacting protein; plus strand). Cytogenetic location: 16p12.1.
Variant type: single nucleotide variant.
Coding change: c.4349G>A on transcript NM_015202.5 (MANE Select); coding-DNA position 4349, G replaced by A.
Protein change: p.Gly1450Asp; replaces glycine 1450 with aspartic acid.
Molecular consequence: missense variant.
Genome position (GRCh38, 1-based): chr16:27,774,984, G>A. VCF-style: chr16-27774984-G-A. GRCh37 (hg19) VCF-style: chr16-27786305-G-A.
Other names: c.4349G>A (NM_015202.2); short protein forms G1450D.
Identifiers: ClinVar variation 2171152 (VCV002171152.6), dbSNP rs752797954, ClinGen allele CA7978603.